The following is an entry in ClinVar:

NM_001283009.2(RTEL1):c.512C>T (p.Ser171Phe)

Genes: RTEL1 (regulator of telomere elongation helicase 1; plus strand), RTEL1-TNFRSF6B (RTEL1-TNFRSF6B readthrough (NMD candidate); plus strand). Cytogenetic location: 20q13.33.
Variant type: single nucleotide variant.
Coding change: c.512C>T on transcript NM_001283009.2 (MANE Select); coding-DNA position 512, C replaced by T.
Protein change: p.Ser171Phe; replaces serine 171 with phenylalanine.
Molecular consequence: missense variant. On other transcripts: non-coding transcript variant (1), 5 prime UTR variant (1).
Genome position (GRCh38, 1-based): chr20:63,662,863, C>T. VCF-style: chr20-63662863-C-T. GRCh37 (hg19) VCF-style: chr20-62294216-C-T.
Other names: c.-158C>T (NM_001283010.1); c.512C>T, p.Ser171Phe (NM_016434.4); c.584C>T, p.Ser195Phe (NM_032957.5); short protein forms S171F, S195F.
Identifiers: ClinVar variation 3948421 (VCV003948421.1), dbSNP rs267606058.
Genomic context (GRCh38, chr20:63,662,863, plus strand): 5'-TGCGCACTCTGCCCTTCCTCCCACAGATCCACTTGTGCCGTAAGAAGGTGGCAAGTCGCT[C>T]CTGTCATTTCTACAACAACGTAGAAGGTACAAGCAGCTGGGTGGGACCAGGGTCGGGTTG-3'
Protein context (NP_001269938.1, residues 161-181): HLCRKKVASR[Ser171Phe]CHFYNNVEEK

ClinVar aggregate classification (germline): Uncertain significance (1 of 4 stars; one submission).

Conditions:
Inborn genetic diseases. Identifiers: MedGen C0950123, MeSH D030342.

gnomAD v4.1: 2 of 1,614,010 alleles (0.00012%); highest among the groups gnomAD compares: Non-Finnish European, 0.00017%; no homozygotes.

Submission:

Ambry Genetics
Classification: Uncertain significance for Inborn genetic diseases. Last evaluated: 2025-05-24. Review status: criteria provided, single submitter. Criteria: Ambry Variant Classification Scheme 2023. Collection method: clinical testing. Allele origin: germline.
Comment: The p.S171F variant (also known as c.512C>T), located in coding exon 5 of the RTEL1 gene, results from a C to T substitution at nucleotide position 512. The serine at codon 171 is replaced by phenylalanine, an amino acid with highly dissimilar properties. This amino acid position is conserved. In addition, this alteration is predicted to be tolerated by in silico analysis. Based on the available evidence, the clinical significance of this variant remains unclear.